The following is an entry in ClinVar:

NM_004655.4(AXIN2):c.2103T>C (p.Cys701=)

Gene: AXIN2 (axin 2; minus strand). Cytogenetic location: 17q24.1.
Variant type: single nucleotide variant.
Coding change: c.2103T>C on transcript NM_004655.4 (MANE Select); coding-DNA position 2103, T replaced by C.
Protein change: p.Cys701=; no amino-acid change (cysteine 701 retained).
Molecular consequence: synonymous variant.
Genome position (GRCh38, 1-based): chr17:65,536,358, A>G on the plus strand (T>C on the coding strand, the complement: AXIN2 is on the minus strand). VCF-style: chr17-65536358-A-G. GRCh37 (hg19) VCF-style: chr17-63532476-A-G.
Other names: c.2103T>C (LRG_296t1); c.1908T>C, p.Cys636= (NM_001363813.1).
Identifiers: ClinVar variation 378997 (VCV000378997.11), dbSNP rs1057520454, ClinGen allele CA16607441.

ClinVar aggregate classification (germline): Benign/Likely benign. Review status: criteria provided, multiple submitters, no conflicts (2 of 4 stars). 4 submissions from 4 submitters: Benign (1); Likely benign (3). Last evaluated 2024-07-09.

Conditions:
Hereditary cancer-predisposing syndrome. Also called: Tumor predisposition; Hereditary neoplastic syndrome; Neoplastic Syndromes, Hereditary; Hereditary Cancer Syndrome. Identifiers: Orphanet 140162, MedGen C0027672, MeSH D009386, MONDO:0015356.
Oligodontia-cancer predisposition syndrome. Also called: TOOTH AGENESIS-COLORECTAL CANCER SYNDROME. Identifiers: Orphanet 300576, MedGen C1837750, MONDO:0012075, OMIM 608615. Disease mechanism: loss of function.

Submissions (4):

Myriad Genetics, Inc.
Classification: Benign for Oligodontia-cancer predisposition syndrome. Last evaluated: 2024-07-09. Review status: criteria provided, single submitter. Criteria: Myriad Autosomal Dominant, Autosomal Recessive and X-Linked Classification Criteria (2023). Collection method: clinical testing. Allele origin: unknown.
Comment: This variant is considered benign. This variant is a silent/synonymous amino acid change and it is not expected to impact splicing.

Labcorp Genetics (formerly Invitae), Labcorp
Classification: Likely benign for Oligodontia-cancer predisposition syndrome. Last evaluated: 2024-02-13. Review status: criteria provided, single submitter. Criteria: Invitae Variant Classification Sherloc (09022015). Collection method: clinical testing. Allele origin: germline.

Ambry Genetics
Classification: Likely benign for Hereditary cancer-predisposing syndrome. Last evaluated: 2019-12-14. Review status: criteria provided, single submitter. Criteria: Ambry Variant Classification Scheme 2023. Collection method: clinical testing. Allele origin: germline.

GeneDx
Classification: Likely benign. Last evaluated: 2016-11-21. Review status: criteria provided, single submitter. Criteria: GeneDx Variant Classification (06012015). Collection method: clinical testing. Allele origin: germline. Affected: yes.
Comment: This variant is considered likely benign or benign based on one or more of the following criteria: it is a conservative change, it occurs at a poorly conserved position in the protein, it is predicted to be benign by multiple in silico algorithms, and/or has population frequency not consistent with disease.